The following is an entry in ClinVar:

ClinVar aggregate classification (germline): Likely benign. Review status: criteria provided, single submitter (1 of 4 stars). 2 submissions from 2 submitters: Likely benign (1). 1 of the submissions does not count toward it. Last evaluated 2025-09-09.

Conditions:
FBXW7-related disorder. Also called: FBXW7-related disorders; FBXW7-related condition.

Allele frequency attached by ClinVar (database versions not stated): 1000 Genomes Project 0.00020; 1000 Genomes Project 30x 0.00031; TOPMed 0.00042; gnomAD 0.00044; ExAC 0.00045; gnomAD exomes 0.00083; ESP Exome Variant Server 0.00085.
gnomAD v4.1: 1,258 of 1,613,528 alleles (0.078%); highest among the groups gnomAD compares: Non-Finnish European, 0.095%; no homozygotes.

Submissions (2):

Labcorp Genetics (formerly Invitae), Labcorp
Classification: Likely benign. Last evaluated: 2025-09-09. Review status: criteria provided, single submitter. Criteria: Invitae Variant Classification Sherloc (09022015). Collection method: clinical testing. Allele origin: germline.

PreventionGenetics, part of Exact Sciences
Classification: Likely benign for FBXW7-related condition. Last evaluated: 2022-11-30. Review status: no assertion criteria provided. Collection method: clinical testing. Allele origin: germline. Not counted in ClinVar's aggregate classification.
Comment: This variant is classified as likely benign based on ACMG/AMP sequence variant interpretation guidelines (Richards et al. 2015 PMID: 25741868, with internal and published modifications).

NM_001349798.2(FBXW7):c.2020C>A (p.Arg674=)

Gene: FBXW7 (F-box and WD repeat domain containing 7; minus strand). Cytogenetic location: 4q31.3.
Variant type: single nucleotide variant.
Coding change: c.2020C>A on transcript NM_001349798.2 (MANE Select); coding-DNA position 2020, C replaced by A.
Protein change: p.Arg674=; no amino-acid change (arginine 674 retained).
Molecular consequence: synonymous variant.
Genome position (GRCh38, 1-based): chr4:152,322,985, G>T on the plus strand (C>A on the coding strand, the complement: FBXW7 is on the minus strand). VCF-style: chr4-152322985-G-T. GRCh37 (hg19) VCF-style: chr4-153244137-G-T.
Other names: c.1666C>A, p.Arg556= (NM_001013415.2); c.1780C>A, p.Arg594= (NM_018315.5); c.2020C>A, p.Arg674= (NM_033632.3).
Identifiers: ClinVar variation 3040868 (VCV003040868.4), dbSNP rs140856583, ClinGen allele CA3106101.